The following is an entry in ClinVar:

ClinVar aggregate classification (germline): Uncertain significance. Review status: criteria provided, multiple submitters, no conflicts (2 of 4 stars). 8 submissions from 8 submitters: Uncertain significance (6). 2 of the submissions do not count toward it. Last evaluated 2026-01-12.

Conditions:
DYNC2H1-related disorder. Also called: DYNC2H1-related disorders; DYNC2H1-related condition. Identifiers: MedGen CN378770.
Jeune thoracic dystrophy. Also called: Short-rib thoracic dysplasia; Jeune syndrome; Infantile thoracic dystrophy; Thoracic pelvic phalangeal dystrophy; Jeune's syndrome; Chondroectodermal dysplasia-like syndrome. Identifiers: Orphanet 474, MedGen C0265275, MONDO:0018770.
Asphyxiating thoracic dystrophy 3. Also called: SHORT-RIB THORACIC DYSPLASIA 3 WITH OR WITHOUT POLYDACTYLY; POLYDACTYLY WITH NEONATAL CHONDRODYSTROPHY, TYPE I; SHORT-RIB THORACIC DYSPLASIA 3/6 WITH POLYDACTYLY, DIGENIC; Saldino-Noonan Syndrome; Short rib polydactyly syndrome 2B. Identifiers: Orphanet 474, Orphanet 93269, Orphanet 93270, Orphanet 93271, MedGen C0036069, MONDO:0013127, OMIM 613091.

Allele frequency attached by ClinVar (database versions not stated): gnomAD exomes 0.00008 and 0.00023; ExAC 0.00029; ESP Exome Variant Server 0.00051; gnomAD 0.00070 and 0.00078; TOPMed 0.00077; 1000 Genomes Project 0.00140; 1000 Genomes Project 30x 0.00156.
gnomAD v4.1: 222 of 1,613,288 alleles (0.014%); highest among the groups gnomAD compares: African/African-American, 0.25%; no homozygotes.

Submissions (8):

Women's Health and Genetics/Laboratory Corporation of America, LabCorp
Classification: Uncertain significance. Last evaluated: 2026-01-12. Review status: criteria provided, single submitter. Criteria: LabCorp Variant Classification Summary - May 2015. Collection method: clinical testing. Allele origin: germline.
Comment: Variant summary: DYNC2H1 c.4073G>A (p.Arg1358His) results in a non-conservative amino acid change located in the Dynein heavy chain, linker (IPR013602) of the encoded protein sequence. Algorithms developed to predict the effect of missense changes on protein structure and function are either unavailable or do not agree on the potential impact of this missense change. The variant allele was found at a frequency of 0.00023 in 247824 control chromosomes. This frequency is not significantly higher than estimated for disease-causing variants in DYNC2H1, allowing no conclusion about variant significance. c.4073G>A has been reported in the literature in at least one compound heterozygous individual affected with asphyxiating thoracic dystrophy with polydactyly (e.g. Zhang_2018). These data do not allow any conclusion about variant significance. To our knowledge, no experimental evidence demonstrating an impact on protein function has been reported. The following publication has been ascertained in the context of this evaluation (PMID: 29068549). ClinVar contains an entry for this variant (Variation ID: 446562). Based on the evidence outlined above, the variant was classified as uncertain significance.

PreventionGenetics, part of Exact Sciences
Classification: Uncertain significance for DYNC2H1-related condition. Last evaluated: 2025-10-08. Review status: criteria provided, single submitter. Criteria: ACMG Guidelines, 2015. Collection method: clinical testing. Allele origin: germline.
Comment: The DYNC2H1 c.4073G>A variant is predicted to result in the amino acid substitution p.Arg1358His. This variant has been reported in the compound heterozygous state in an individual with asphyxiating thoracic dystrophy (ATD; Zhang et al. 2018. PubMed ID: 29068549). A different substitution at the same codon, defined as c.4072C>T (p.Arg1358Cys), has been reported along with another missense variant in an individual with short rib polydactyly (Daum et al. 2018. PubMed ID: 29947050) and as a de novo finding (in the heterozygous state) in a fetus with scoliosis (Liu et al. 2023. PubMed ID: 37875969). The c.4073G>A (p.Arg1358His) variant is reported in 0.30% of alleles in individuals of African descent in gnomAD with no documented homozygotes. Although we suspect that this variant may be pathogenic, at this time, the clinical significance of this variant is uncertain due to the absence of conclusive functional and genetic evidence.

Blueprint Genetics
Classification: Uncertain significance. Last evaluated: 2024-11-13. Review status: criteria provided, single submitter. Criteria: ACMG Guidelines, 2015. Collection method: clinical testing. Allele origin: germline.

ARUP Laboratories, Molecular Genetics and Genomics, ARUP Laboratories
Classification: Uncertain significance for Asphyxiating thoracic dystrophy 3. Last evaluated: 2024-01-26. Review status: criteria provided, single submitter. Criteria: ARUP Molecular Germline Variant Investigation Process 2024. Collection method: clinical testing. Allele origin: germline.
Comment: The DYNC2H1 c.4073G>A; p.Arg1358His variant (rs184256941) is reported in the literature in an individual with asphyxiating thoracic dystrophy (Zhang 2018). This variant is also reported in ClinVar (Variation ID: 446562). It is observed in the general population with an overall allele frequency of 0.03% (80/279208 alleles) in the Genome Aggregation Database (v2.1.1). Computational analyses are uncertain whether this variant is neutral or deleterious (REVEL: 0.272). Due to limited information, the clinical significance of this variant is uncertain at this time. References: Zhang W et al. Expanding the genetic architecture and phenotypic spectrum in the skeletal ciliopathies. Hum Mutat. 2018 Jan;39(1):152-166. PMID: 29068549.

Labcorp Genetics (formerly Invitae), Labcorp
Classification: Uncertain significance for Jeune thoracic dystrophy. Last evaluated: 2022-06-27. Review status: criteria provided, single submitter. Criteria: Invitae Variant Classification Sherloc (09022015). Collection method: clinical testing. Allele origin: germline.
Comment: This sequence change replaces arginine, which is basic and polar, with histidine, which is basic and polar, at codon 1358 of the DYNC2H1 protein (p.Arg1358His). This variant is present in population databases (rs184256941, gnomAD 0.3%). This missense change has been observed in individual(s) with asphyxiating thoracic dystrophy (PMID: 29947050). ClinVar contains an entry for this variant (Variation ID: 446562). Advanced modeling of protein sequence and biophysical properties (such as structural, functional, and spatial information, amino acid conservation, physicochemical variation, residue mobility, and thermodynamic stability) performed at Invitae indicates that this missense variant is not expected to disrupt DYNC2H1 protein function. In summary, the available evidence is currently insufficient to determine the role of this variant in disease. Therefore, it has been classified as a Variant of Uncertain Significance.

Fulgent Genetics
Classification: Uncertain significance for Asphyxiating thoracic dystrophy 3. Last evaluated: 2022-02-22. Review status: criteria provided, single submitter. Criteria: ACMG Guidelines, 2015. Collection method: clinical testing. Allele origin: unknown.

Dan Cohn Lab, University Of California Los Angeles
Classification: Pathogenic for Asphyxiating thoracic dystrophy. Last evaluated: 2017-06-01. Review status: no assertion criteria provided. Collection method: research. Allele origin: unknown. Affected: yes. Not counted in ClinVar's aggregate classification.

University of Washington Center for Mendelian Genomics, University of Washington
Classification: Likely pathogenic for asphyxiating thoracic dystrophy. Review status: no assertion criteria provided. Collection method: research. Allele origin: inherited. Affected: yes. Not counted in ClinVar's aggregate classification.

Literature cited by the submitters: PubMed 29068549 (cited by 3 submitters); PubMed 29947050 (cited by Labcorp Genetics (formerly Invitae), Labcorp).

NM_001377.3(DYNC2H1):c.4073G>A (p.Arg1358His)

Gene: DYNC2H1 (dynein cytoplasmic 2 heavy chain 1; plus strand). Cytogenetic location: 11q22.3.
Variant type: single nucleotide variant.
Coding change: c.4073G>A on transcript NM_001377.3 (MANE Select); coding-DNA position 4073, G replaced by A.
Protein change: p.Arg1358His; replaces arginine 1358 with histidine.
Molecular consequence: missense variant.
Genome position (GRCh38, 1-based): chr11:103,156,716, G>A. VCF-style: chr11-103156716-G-A. GRCh37 (hg19) VCF-style: chr11-103027445-G-A.
Other names: c.4073G>A, p.Arg1358His (NM_001080463.2); short protein forms R1358H.
Identifiers: ClinVar variation 446562 (VCV000446562.22), dbSNP rs184256941, ClinGen allele CA6253454.